The following is an entry in ClinVar:

ClinVar aggregate classification (germline): Likely benign. Review status: criteria provided, single submitter (1 of 4 stars). 2 submissions from 2 submitters: Likely benign (1). 1 of the submissions does not count toward it. Last evaluated 2026-01-21.

Conditions:
NFATC1-related disorder. Also called: NFATC1-related condition.

Allele frequency attached by ClinVar (database versions not stated): gnomAD exomes 0.00006; ExAC 0.00018; 1000 Genomes Project 30x 0.00031; 1000 Genomes Project 0.00040; gnomAD 0.00044; TOPMed 0.00054; ESP Exome Variant Server 0.00085.
gnomAD v4.1: 158 of 1,584,604 alleles (0.01%); highest among the groups gnomAD compares: African/African-American, 0.14%; no homozygotes.

Submissions (2):

Labcorp Genetics (formerly Invitae), Labcorp
Classification: Likely benign. Last evaluated: 2026-01-21. Review status: criteria provided, single submitter. Criteria: Invitae Variant Classification Sherloc (09022015). Collection method: clinical testing. Allele origin: germline.

PreventionGenetics, part of Exact Sciences
Classification: Likely benign for NFATC1-related condition. Last evaluated: 2019-10-28. Review status: no assertion criteria provided. Collection method: clinical testing. Allele origin: germline. Not counted in ClinVar's aggregate classification.
Comment: This variant is classified as likely benign based on ACMG/AMP sequence variant interpretation guidelines (Richards et al. 2015 PMID: 25741868, with internal and published modifications).

NM_001278669.2(NFATC1):c.1101G>A (p.Ala367=)

Gene: NFATC1 (nuclear factor of activated T cells 1; plus strand). Cytogenetic location: 18q23.
Variant type: single nucleotide variant.
Coding change: c.1101G>A on transcript NM_001278669.2 (MANE Select); coding-DNA position 1101, G replaced by A.
Protein change: p.Ala367=; no amino-acid change (alanine 367 retained).
Molecular consequence: synonymous variant. On other transcripts: intron variant (2).
Genome position (GRCh38, 1-based): chr18:79,411,376, G>A. VCF-style: chr18-79411376-G-A. GRCh37 (hg19) VCF-style: chr18-77171376-G-A.
Other names: c.1101G>A, p.Ala367= (NM_001278670.2, NM_006162.5, NM_172390.3); c.1062G>A, p.Ala354= (NM_001278672.2, NM_001278675.2, NM_172387.3 and 1 more transcripts); c.-191+15025G>A (NM_172388.3); c.-191+10897G>A (NM_001278673.2).
Identifiers: ClinVar variation 3040516 (VCV003040516.3), dbSNP rs149101267, ClinGen allele CA9009038.